The following is an entry in ClinVar:

ClinVar aggregate classification (germline): Likely pathogenic (1 of 4 stars; one submission).

Conditions:
Junctional epidermolysis bullosa. Identifiers: Orphanet 305, MedGen C0079301, MONDO:0017612.

Submission:

Myriad Genetics, Inc.
Classification: Likely pathogenic for Junctional epidermolysis bullosa. Last evaluated: 2022-01-02. Review status: criteria provided, single submitter. Criteria: Myriad Autosomal Dominant, Autosomal Recessive and X-Linked Classification Criteria (2023). Collection method: clinical testing. Allele origin: unknown.
Comment: NM_000228.2(LAMB3):c.2773_2774delTC(A926Yfs*8) is expected to be pathogenic in the context of junctional epidermolysis bullosa, LAMB3-related. This variant is predicted to lead to an abnormal or absent protein product due to the creation of a premature termination codon in LAMB3, a gene where loss-of-function variants are known to be pathogenic. Please note: this variant was assessed in the context of healthy population screening.

NM_000228.3(LAMB3):c.2773_2774del (p.Ala926fs)

Gene: LAMB3 (laminin subunit beta 3; minus strand). Cytogenetic location: 1q32.2.
Variant type: Deletion.
Coding change: c.2773_2774del on transcript NM_000228.3 (MANE Select); coding-DNA positions 2773 to 2774, 2 bases deleted (TC; older notation c.2773_2774delTC).
Protein change: p.Ala926fs; shifts the reading frame from alanine 926.
Molecular consequence: frameshift variant.
Genome position (GRCh38, 1-based): chr1:209,618,587-209,618,588, GA deleted on the plus strand (TC on the coding strand, the reverse complement: LAMB3 is on the minus strand); deleting any 2 consecutive bases within chr1:209,618,587-209,618,589 gives the same sequence; the c. name uses the placement nearest the transcript's 3' end. VCF-style (leftmost placement, unchanged base first): chr1-209618586-TGA-T. GRCh37 (hg19) VCF-style: chr1-209791931-TGA-T.
Other names: c.2773_2774del, p.Ala926fs (NM_001017402.2, NM_001127641.1); short protein forms A926fs.
Identifiers: ClinVar variation 1726795 (VCV001726795.3), dbSNP rs2464764083, ClinGen allele CA2580061994.